The following is an entry in ClinVar:

ClinVar aggregate classification (germline): Pathogenic. Review status: criteria provided, single submitter (1 of 4 stars). 2 submissions from 2 submitters: Pathogenic (1). 1 of the submissions does not count toward it.

Conditions:
Arrhythmogenic cardiomyopathy with variable ectodermal abnormalities (ARCME). Identifiers: MedGen C5882696, MONDO:0957795, OMIM 620519.
OMIM:607463.

Allele frequency attached by ClinVar (database versions not stated): gnomAD exomes below 0.00001.
gnomAD v4.1: 1 of 1,438,808 alleles (0.00007%); highest among the groups gnomAD compares: Non-Finnish European, 0.00009%; no homozygotes.

Submissions (2):

Rajaie Cardiovascular, Medical and Research Center, Iran University of Medical Sciences
Classification: Pathogenic for OMIM:607463. Review status: criteria provided, single submitter. Criteria: ACMG Guidelines, 2015. Collection method: research. Allele origin: somatic. Inheritance: Autosomal recessive inheritance. Affected: yes. Observed: 1 variant allele, 1 homozygote.
Comment: The PPP1R13L gene encodes the protein phosphatase 1 regulatory subunit 13 like. Due to the study of Robinson et al., 2020 (PMID: 32666529), they reported biallelic variants in PPP1R13L gene in five families with severe pediatric dilated cardiomyopathy (DCM) which provide the required evidence to support a strong gene disease association between PPP1R13L and autosomal recessive DCM. Based on ACMG classification, c.C580T variant is Pathogenic.

OMIM
Classification: Pathogenic for ARRHYTHMOGENIC CARDIOMYOPATHY WITH VARIABLE ECTODERMAL ABNORMALITIES. Last evaluated: 2023-09-26. Review status: no assertion criteria provided. Collection method: literature only. Allele origin: germline. Not counted in ClinVar's aggregate classification.

Literature cited by the submitters: PubMed 35933355 (cited by OMIM).

NM_006663.4(PPP1R13L):c.580C>T (p.Gln194Ter)

Gene: PPP1R13L (protein phosphatase 1 regulatory subunit 13 like; minus strand). Cytogenetic location: 19q13.32.
Variant type: single nucleotide variant.
Coding change: c.580C>T on transcript NM_006663.4 (MANE Select); coding-DNA position 580, C replaced by T.
Protein change: p.Gln194Ter; replaces glutamine 194 with a stop codon.
Molecular consequence: nonsense.
Genome position (GRCh38, 1-based): chr19:45,396,677, G>A on the plus strand (C>T on the coding strand, the complement: PPP1R13L is on the minus strand). VCF-style: chr19-45396677-G-A. GRCh37 (hg19) VCF-style: chr19-45899935-G-A.
Other names: c.580C>T, p.Gln194Ter (NM_001142502.2); short protein forms Q194*.
Identifiers: ClinVar variation 1188825 (VCV001188825.2), dbSNP rs2123386598, ClinGen allele CA406394544.